The following is an entry in ClinVar:

ClinVar aggregate classification (germline): Uncertain significance (1 of 4 stars; one submission).

Conditions:
Hereditary sensory and autonomic neuropathy type 1 (HSAN1). Also called: HSAN 1; HSN Type I; Hereditary Sensory Neuropathy Type I. Identifiers: Orphanet 36386, MedGen C0020071, MONDO:0018213.

Submission:

Labcorp Genetics (formerly Invitae), Labcorp
Classification: Uncertain significance for Hereditary sensory and autonomic neuropathy type 1. Last evaluated: 2021-12-29. Review status: criteria provided, single submitter. Criteria: Invitae Variant Classification Sherloc (09022015). Collection method: clinical testing. Allele origin: germline.
Comment: Advanced modeling of protein sequence and biophysical properties (such as structural, functional, and spatial information, amino acid conservation, physicochemical variation, residue mobility, and thermodynamic stability) performed at Invitae indicates that this missense variant is expected to disrupt SPTLC1 protein function. In summary, the available evidence is currently insufficient to determine the role of this variant in disease. Therefore, it has been classified as a Variant of Uncertain Significance. This variant has not been reported in the literature in individuals affected with SPTLC1-related conditions. This variant is not present in population databases (gnomAD no frequency). This sequence change replaces alanine, which is neutral and non-polar, with threonine, which is neutral and polar, at codon 348 of the SPTLC1 protein (p.Ala348Thr).

NM_006415.4(SPTLC1):c.1042G>A (p.Ala348Thr)

Gene: SPTLC1 (serine palmitoyltransferase long chain base subunit 1; minus strand). Cytogenetic location: 9q22.31.
Variant type: single nucleotide variant.
Coding change: c.1042G>A on transcript NM_006415.4 (MANE Select); coding-DNA position 1042, G replaced by A.
Protein change: p.Ala348Thr; replaces alanine 348 with threonine.
Molecular consequence: missense variant.
Genome position (GRCh38, 1-based): chr9:92,047,211, C>T on the plus strand (G>A on the coding strand, the complement: SPTLC1 is on the minus strand). VCF-style: chr9-92047211-C-T. GRCh37 (hg19) VCF-style: chr9-94809493-C-T.
Other names: c.1042G>A, p.Ala348Thr (NM_001281303.2); c.676G>A, p.Ala226Thr (NM_001368272.1); c.577G>A, p.Ala193Thr (NM_001368273.1); short protein forms A226T, A193T, A348T.
Identifiers: ClinVar variation 2065778 (VCV002065778.4), dbSNP rs2538398532, ClinGen allele CA373792476.